The following is an entry in ClinVar:

ClinVar aggregate classification (germline): Likely pathogenic (1 of 4 stars; one submission).

Submission:

Labcorp Genetics (formerly Invitae), Labcorp
Classification: Likely pathogenic. Last evaluated: 2023-03-18. Review status: criteria provided, single submitter. Criteria: Invitae Variant Classification Sherloc (09022015). Collection method: clinical testing. Allele origin: unknown.
Comment: In summary, the currently available evidence indicates that the variant is pathogenic, but additional data are needed to prove that conclusively. Therefore, this variant has been classified as Likely Pathogenic. This variant has not been reported in the literature in individuals affected with TBCK-related conditions. This variant results in a copy number gain of the genomic region encompassing exon(s) 3-5 of the TBCK gene. While the exact position of this variant cannot be determined from the data, sub-genic copy number gains are generally in tandem (PMID: 25640679). This variant is predicted to be out-of-frame, and may result in an absent or disrupted protein product. Loss-of-function variants in TBCK are known to be pathogenic (PMID: 27040692, 30103036).

Literature cited by the submitters: PubMed 25640679; PubMed 27040692; PubMed 30103036.

NC_000004.11:g.(?_107181574)_(107216343_?)dup

Gene: TBCK (TBC1 domain containing kinase; minus strand). Cytogenetic location: 4q24.
Variant type: Duplication.
Identifiers: ClinVar variation 3246722 (VCV003246722.1).